The following is an entry in ClinVar:

NM_138295.5(PKD1L1):c.5561C>T (p.Ala1854Val)

Gene: PKD1L1 (polycystin 1 like 1, transient receptor potential channel interacting; minus strand). Cytogenetic location: 7p12.3.
Variant type: single nucleotide variant.
Coding change: c.5561C>T on transcript NM_138295.5 (MANE Select); coding-DNA position 5561, C replaced by T.
Protein change: p.Ala1854Val; replaces alanine 1854 with valine.
Molecular consequence: missense variant.
Genome position (GRCh38, 1-based): chr7:47,839,654, G>A on the plus strand (C>T on the coding strand, the complement: PKD1L1 is on the minus strand). VCF-style: chr7-47839654-G-A. GRCh37 (hg19) VCF-style: chr7-47879252-G-A.
Other names: short protein forms A1854V.
Identifiers: ClinVar variation 3344753 (VCV003344753.1).

ClinVar aggregate classification (germline): Uncertain significance (0 of 4 stars; one submission).

Conditions:
PKD1L1-related disorder. Also called: PKD1L1-related condition.

Submission:

PreventionGenetics, part of Exact Sciences
Classification: Uncertain significance for PKD1L1-related condition. Last evaluated: 2024-08-20. Review status: no assertion criteria provided. Collection method: clinical testing. Allele origin: germline.
Comment: The PKD1L1 c.5561C>T variant is predicted to result in the amino acid substitution p.Ala1854Val. To our knowledge, this variant has not been reported in the literature or in a large population database, indicating this variant is rare. At this time, the clinical significance of this variant is uncertain due to the absence of conclusive functional and genetic evidence.